The following is an entry in ClinVar:

NM_199420.4(POLQ):c.5827G>A (p.Asp1943Asn)

Gene: POLQ (DNA polymerase theta; minus strand). Cytogenetic location: 3q13.33.
Variant type: single nucleotide variant.
Coding change: c.5827G>A on transcript NM_199420.4 (MANE Select); coding-DNA position 5827, G replaced by A.
Protein change: p.Asp1943Asn; replaces aspartic acid 1943 with asparagine.
Molecular consequence: missense variant.
Genome position (GRCh38, 1-based): chr3:121,483,529, C>T on the plus strand (G>A on the coding strand, the complement: POLQ is on the minus strand). VCF-style: chr3-121483529-C-T. GRCh37 (hg19) VCF-style: chr3-121202376-C-T.
Other names: short protein forms D1943N.
Identifiers: ClinVar variation 3308566 (VCV003308566.1).
Genomic context (GRCh38, chr3:121,483,529, plus strand): 5'-CAACAGAACATTCTTTATCAGATTCCTTTCGCAAGCAAGATTGAAGGTACCACATCCTGT[C>T]TTTCAAAGTCAGGCTTGGATCTAAAGAAGGTGGAACCAAACTGGCACTAATTTCTTTAAA-3'
Protein context (NP_955452.3, residues 1933-1953): PSLDPSLTLK[Asp1943Asn]RMWYLQSCLR

ClinVar aggregate classification (germline): Uncertain significance (1 of 4 stars; one submission).

gnomAD v4.1: 1 of 1,592,558 alleles (0.000063%); no homozygotes.

Submission:

Ambry Genetics
Classification: Uncertain significance. Last evaluated: 2024-05-31. Review status: criteria provided, single submitter. Criteria: Ambry Variant Classification Scheme 2023. Collection method: clinical testing. Allele origin: germline.
Comment: The p.D1943N variant (also known as c.5827G>A), located in coding exon 18 of the POLQ gene, results from a G to A substitution at nucleotide position 5827. The aspartic acid at codon 1943 is replaced by asparagine, an amino acid with highly similar properties. This amino acid position is conserved. In addition, this alteration is predicted to be tolerated by in silico analysis. Based on the available evidence, the clinical significance of this variant remains unclear.